The following is an entry in ClinVar:

NM_000551.4(VHL):c.59T>C (p.Val20Ala)

Gene: VHL (von Hippel-Lindau tumor suppressor; plus strand). Cytogenetic location: 3p25.3.
Variant type: single nucleotide variant.
Coding change: c.59T>C on transcript NM_000551.4 (MANE Select); coding-DNA position 59, T replaced by C.
Protein change: p.Val20Ala; replaces valine 20 with alanine.
Molecular consequence: missense variant.
Genome position (GRCh38, 1-based): chr3:10,141,906, T>C. VCF-style: chr3-10141906-T-C. GRCh37 (hg19) VCF-style: chr3-10183590-T-C.
Other names: c.59T>C, p.Val20Ala (NM_001354723.2, NM_198156.3); short protein forms V20A.
Identifiers: ClinVar variation 844502 (VCV000844502.12), dbSNP rs929332564, ClinGen allele CA70042225.

ClinVar aggregate classification (germline): Conflicting classifications of pathogenicity. Review status: criteria provided, conflicting classifications (1 of 4 stars). 2 submissions from 2 submitters: Uncertain significance (1); Likely benign (1). Last evaluated 2025-03-09.

Conditions:
Hereditary cancer-predisposing syndrome. Also called: Neoplastic Syndromes, Hereditary; Hereditary neoplastic syndrome; Tumor predisposition; Hereditary Cancer Syndrome. Identifiers: Orphanet 140162, MedGen C0027672, MeSH D009386, MONDO:0015356.
Chuvash polycythemia. Also called: POLYCYTHEMIA, VHL-DEPENDENT. Identifiers: Orphanet 238557, MedGen C1837915, MONDO:0009892, OMIM 263400.
Von Hippel-Lindau syndrome (VHLS). Also called: Von Hippel-Lindau; VHL syndrome; von Hippel–Lindau syndrome. Identifiers: Orphanet 892, MedGen C0019562, MONDO:0008667, OMIM 193300. Disease mechanism: loss of function.

Submissions (2):

Labcorp Genetics (formerly Invitae), Labcorp
Classification: Uncertain significance for Von Hippel-Lindau syndrome; Chuvash polycythemia. Last evaluated: 2025-03-09. Review status: criteria provided, single submitter. Criteria: Invitae Variant Classification Sherloc (09022015). Collection method: clinical testing. Allele origin: germline.
Comment: This sequence change replaces valine, which is neutral and non-polar, with alanine, which is neutral and non-polar, at codon 20 of the VHL protein (p.Val20Ala). This variant is not present in population databases (gnomAD no frequency). This variant has not been reported in the literature in individuals affected with VHL-related conditions. ClinVar contains an entry for this variant (Variation ID: 844502). Invitae Evidence Modeling of protein sequence and biophysical properties (such as structural, functional, and spatial information, amino acid conservation, physicochemical variation, residue mobility, and thermodynamic stability) indicates that this missense variant is not expected to disrupt VHL protein function with a negative predictive value of 95%. In summary, the available evidence is currently insufficient to determine the role of this variant in disease. Therefore, it has been classified as a Variant of Uncertain Significance.

Ambry Genetics
Classification: Likely benign for Hereditary cancer-predisposing syndrome. Last evaluated: 2021-10-13. Review status: criteria provided, single submitter. Criteria: Ambry Variant Classification Scheme 2023. Collection method: clinical testing. Allele origin: germline.